The following is an entry in ClinVar:

ClinVar aggregate classification (germline): Uncertain significance (1 of 4 stars; one submission).

Allele frequency attached by ClinVar (database versions not stated): TOPMed 0.00004; 1000 Genomes Project 30x 0.00016; 1000 Genomes Project 0.00020.

Submission:

Labcorp Genetics (formerly Invitae), Labcorp
Classification: Uncertain significance. Last evaluated: 2022-07-06. Review status: criteria provided, single submitter. Criteria: Invitae Variant Classification Sherloc (09022015). Collection method: clinical testing. Allele origin: germline.
Comment: In summary, the available evidence is currently insufficient to determine the role of this variant in disease. Therefore, it has been classified as a Variant of Uncertain Significance. Algorithms developed to predict the effect of missense changes on protein structure and function (SIFT, PolyPhen-2, Align-GVGD) all suggest that this variant is likely to be tolerated. ClinVar contains an entry for this variant (Variation ID: 859828). This variant has not been reported in the literature in individuals affected with SZT2-related conditions. This variant is present in population databases (rs533004246, gnomAD 0.008%). This sequence change replaces proline, which is neutral and non-polar, with alanine, which is neutral and non-polar, at codon 66 of the SZT2 protein (p.Pro66Ala).

NM_001365999.1(SZT2):c.196C>G (p.Pro66Ala)

Gene: SZT2 (SZT2 subunit of KICSTOR complex; plus strand). Cytogenetic location: 1p34.2.
Variant type: single nucleotide variant.
Coding change: c.196C>G on transcript NM_001365999.1 (MANE Select); coding-DNA position 196, C replaced by G.
Protein change: p.Pro66Ala; replaces proline 66 with alanine.
Molecular consequence: missense variant.
Genome position (GRCh38, 1-based): chr1:43,403,643, C>G. VCF-style: chr1-43403643-C-G. GRCh37 (hg19) VCF-style: chr1-43869314-C-G.
Other names: c.196C>G, p.Pro66Ala (NM_015284.4); short protein forms P66A.
Identifiers: ClinVar variation 859828 (VCV000859828.8), dbSNP rs533004246, ClinGen allele CA808108.
Genomic context (GRCh38, chr1:43,403,643, plus strand): 5'-TTCCATCCTAATTTTCAGCTTCAGTCTGAACAGGAATTGGAAGTCCTCAGTGTCCTGCCC[C>G]CTGGGTGGCAGCCAGATGAACCAGTGGTCCCAAGGCCATTCCTCCTGGTACCTTCCACCC-3'
Protein context (NP_001352928.1, residues 56-76): QELEVLSVLP[Pro66Ala]GWQPDEPVVP